The following is an entry in ClinVar:

ClinVar aggregate classification (germline): Uncertain significance (1 of 4 stars; one submission).

Conditions:
Joubert syndrome 21 (JBTS21). Identifiers: MedGen C3810212, MONDO:0014288, OMIM 615636.

Submission:

Labcorp Genetics (formerly Invitae), Labcorp
Classification: Uncertain significance for Joubert syndrome 21. Last evaluated: 2022-07-06. Review status: criteria provided, single submitter. Criteria: Invitae Variant Classification Sherloc (09022015). Collection method: clinical testing. Allele origin: germline.
Comment: A copy number gain of the genomic region encompassing the full coding sequence of the CSPP1 gene has been identified. The boundaries of this event are unknown as they extend beyond the assayed region for this gene and therefore may encompass additional genes. As the precise location of this event is unknown, it may be in tandem or it may be located elsewhere in the genome. This variant has not been reported in the literature in individuals affected with CSPP1-related conditions. In summary, the available evidence is currently insufficient to determine the role of this variant in disease. Therefore, it has been classified as a Variant of Uncertain Significance.

NC_000008.10:g.(?_67786376)_(68165857_?)dup

Genes: PPP1R42 (protein phosphatase 1 regulatory subunit 42; minus strand), ARFGEF1 (ARF guanine nucleotide exchange factor 1; minus strand), COPS5 (COP9 signalosome subunit 5; minus strand), CSPP1 (centrosome and spindle pole associated protein 1; plus strand), MCMDC2 (minichromosome maintenance domain containing 2; plus strand) and 3 more. Cytogenetic location: 8q13.1-13.2.
Variant type: Duplication.
Identifiers: ClinVar variation 1042682 (VCV001042682.2).